The following is an entry in ClinVar:

ClinVar aggregate classification (germline): Uncertain significance. Review status: criteria provided, multiple submitters, no conflicts (2 of 4 stars). 2 submissions from 2 submitters: Uncertain significance (2). Last evaluated 2026-07-01.

Conditions:
Hereditary cancer-predisposing syndrome. Also called: Neoplastic Syndromes, Hereditary; Hereditary Cancer Syndrome; Hereditary neoplastic syndrome; Tumor predisposition. Identifiers: Orphanet 140162, MedGen C0027672, MeSH D009386, MONDO:0015356.
Familial cancer of breast. Also called: hereditary breast carcinoma; BREAST CANCER, FAMILIAL; Hereditary breast cancer. Identifiers: Orphanet 227535, MedGen C0346153, MONDO:0016419, OMIM 114480. Disease mechanism: loss of function.
Fanconi anemia complementation group J. Also called: BRIP1-Related Fanconi Anemia. Identifiers: Orphanet 84, MedGen C1836860, MONDO:0012187, OMIM 609054.

gnomAD v4.1: 2 of 1,613,986 alleles (0.00012%); highest among the groups gnomAD compares: African/African-American, 0.0013%; no homozygotes.

Submissions (2):

Ambry Genetics
Classification: Uncertain significance for Hereditary cancer-predisposing syndrome. Last evaluated: 2026-07-01. Review status: criteria provided, single submitter. Criteria: Ambry Variant Classification Scheme 2023. Collection method: clinical testing. Allele origin: germline.

Labcorp Genetics (formerly Invitae), Labcorp
Classification: Uncertain significance for Familial cancer of breast; Fanconi anemia complementation group J. Last evaluated: 2025-10-04. Review status: criteria provided, single submitter. Criteria: Invitae Variant Classification Sherloc (09022015). Collection method: clinical testing. Allele origin: germline.
Comment: This sequence change replaces lysine, which is basic and polar, with isoleucine, which is neutral and non-polar, at codon 240 of the BRIP1 protein (p.Lys240Ile). This variant is not present in population databases (gnomAD no frequency). This variant has not been reported in the literature in individuals affected with BRIP1-related conditions. ClinVar contains an entry for this variant (Variation ID: 651915). Invitae Evidence Modeling of protein sequence and biophysical properties (such as structural, functional, and spatial information, amino acid conservation, physicochemical variation, residue mobility, and thermodynamic stability) has been performed for this missense variant. However, the output from this modeling did not meet the statistical confidence thresholds required to predict the impact of this variant on BRIP1 protein function. In summary, the available evidence is currently insufficient to determine the role of this variant in disease. Therefore, it has been classified as a Variant of Uncertain Significance.

NM_032043.3(BRIP1):c.719A>T (p.Lys240Ile)

Gene: BRIP1 (BRCA1 interacting DNA helicase 1; minus strand). Cytogenetic location: 17q23.2.
Variant type: single nucleotide variant.
Coding change: c.719A>T on transcript NM_032043.3 (MANE Select); coding-DNA position 719, A replaced by T.
Protein change: p.Lys240Ile; replaces lysine 240 with isoleucine.
Molecular consequence: missense variant.
Genome position (GRCh38, 1-based): chr17:61,808,666, T>A on the plus strand (A>T on the coding strand, the complement: BRIP1 is on the minus strand). VCF-style: chr17-61808666-T-A. GRCh37 (hg19) VCF-style: chr17-59886027-T-A.
Other names: short protein forms K240I.
Identifiers: ClinVar variation 651915 (VCV000651915.14), dbSNP rs1350322711, ClinGen allele CA400485056.
Genomic context (GRCh38, chr17:61,808,666, plus strand): 5'-GTAATCTGAGCAATCTGCTTGTGTGTGCGTGTCCCAAAATATATTTTGGGTATCTTGGAT[T>A]TCCCTGTATGATCCTTCTTAATGGTATTCGATGACTCTTGACTGTTTCCTTGTTTAGTAG-3'
Protein context (NP_114432.2, residues 230-250): SNTIKKDHTG[Lys240Ile]SKIPKIYFGT